The following is an entry in ClinVar:

ClinVar aggregate classification (germline): Uncertain significance (1 of 4 stars; one submission).

Submission:

Labcorp Genetics (formerly Invitae), Labcorp
Classification: Uncertain significance. Last evaluated: 2024-05-08. Review status: criteria provided, single submitter. Criteria: Invitae Variant Classification Sherloc (09022015). Collection method: clinical testing. Allele origin: germline.
Comment: This sequence change replaces glycine, which is neutral and non-polar, with valine, which is neutral and non-polar, at codon 1016 of the BRD4 protein (p.Gly1016Val). This variant is present in population databases (no rsID available, gnomAD 0.01%). This variant has not been reported in the literature in individuals affected with BRD4-related conditions. An algorithm developed to predict the effect of missense changes on protein structure and function (PolyPhen-2) suggests that this variant is likely to be disruptive. In summary, the available evidence is currently insufficient to determine the role of this variant in disease. Therefore, it has been classified as a Variant of Uncertain Significance.

NM_001379291.1(BRD4):c.3047G>T (p.Gly1016Val)

Gene: BRD4 (bromodomain containing 4; minus strand). Cytogenetic location: 19p13.12.
Variant type: single nucleotide variant.
Coding change: c.3047G>T on transcript NM_001379291.1 (MANE Select); coding-DNA position 3047, G replaced by T.
Protein change: p.Gly1016Val; replaces glycine 1016 with valine.
Molecular consequence: missense variant.
Genome position (GRCh38, 1-based): chr19:15,243,022, C>A on the plus strand (G>T on the coding strand, the complement: BRD4 is on the minus strand). VCF-style: chr19-15243022-C-A. GRCh37 (hg19) VCF-style: chr19-15353833-C-A.
Other names: c.3047G>T, p.Gly1016Val (NM_058243.3); short protein forms G1016V.
Identifiers: ClinVar variation 3717795 (VCV003717795.2).
Genomic context (GRCh38, chr19:15,243,022, plus strand): 5'-GGCTTGGCAGGCTGCGGCGGGGGTGGCTGCTGGCCTGGGGGCGGATGGGGGGGCTGCTGG[C>A]CCTGGGGTGGCGGGGGCTGTTGGATGTGGGTGGAAAACTGCATGGGCTGCAAGTGCACGG-3'
Protein context (NP_001366220.1, residues 1006-1026): THIQQPPPPQ[Gly1016Val]QQPPHPPPGQ